The following is an entry in ClinVar:

ClinVar aggregate classification (germline): Likely benign. Review status: criteria provided, multiple submitters, no conflicts (2 of 4 stars). 4 submissions from 4 submitters: Likely benign (3). 1 of the submissions does not count toward it. Last evaluated 2025-06-12.

Conditions:
TMEM132E-related disorder. Also called: TMEM132E-related condition.

Allele frequency attached by ClinVar (database versions not stated): gnomAD 0.00019 and 0.00021; ExAC 0.00022; gnomAD exomes 0.00022 and 0.00035; TOPMed 0.00022.
gnomAD v4.1: 539 of 1,614,034 alleles (0.033%); highest among the groups gnomAD compares: Non-Finnish European, 0.04%; no homozygotes.

Submissions (4):

Labcorp Genetics (formerly Invitae), Labcorp
Classification: Likely benign. Last evaluated: 2025-06-12. Review status: criteria provided, single submitter. Criteria: Invitae Variant Classification Sherloc (09022015). Collection method: clinical testing. Allele origin: germline.

Blueprint Genetics
Classification: Likely benign. Last evaluated: 2024-11-07. Review status: criteria provided, single submitter. Criteria: ACMG Guidelines, 2015. Collection method: clinical testing. Allele origin: germline.

Breakthrough Genomics
Classification: Likely benign. Review status: criteria provided, single submitter. Criteria: ACMG Guidelines, 2015. Collection method: not provided. Allele origin: germline. Inheritance: Autosomal recessive inheritance. Affected: yes.

PreventionGenetics, part of Exact Sciences
Classification: Likely benign for TMEM132E-related condition. Last evaluated: 2024-03-28. Review status: no assertion criteria provided. Collection method: clinical testing. Allele origin: germline. Not counted in ClinVar's aggregate classification.
Comment: This variant is classified as likely benign based on ACMG/AMP sequence variant interpretation guidelines (Richards et al. 2015 PMID: 25741868, with internal and published modifications).

NM_001304438.2(TMEM132E):c.1290G>A (p.Glu430=)

Gene: TMEM132E (transmembrane protein 132E; plus strand). Cytogenetic location: 17q12.
Variant type: single nucleotide variant.
Coding change: c.1290G>A on transcript NM_001304438.2 (MANE Select); coding-DNA position 1290, G replaced by A.
Protein change: p.Glu430=; no amino-acid change (glutamic acid 430 retained).
Molecular consequence: synonymous variant.
Genome position (GRCh38, 1-based): chr17:34,629,156, G>A. VCF-style: chr17-34629156-G-A. GRCh37 (hg19) VCF-style: chr17-32956175-G-A.
Other names: c.1290G>A (NM_001304438.1).
Identifiers: ClinVar variation 1566575 (VCV001566575.12), dbSNP rs746828822, ClinGen allele CA8496629.